The following is an entry in ClinVar:

NM_002052.4(GATA4):c.-912C>T

Gene: GATA4 (GATA binding protein 4). Cytogenetic location: 8p23.1.
Variant type: single nucleotide variant.
Coding change: c.-912C>T on transcript NM_002052.4; 912 bases upstream of the start codon, C replaced by T.
Molecular consequence: intron variant (on NM_001308094.2).
Genome position (GRCh38, 1-based): chr8:11,703,850, C>T. VCF-style: chr8-11703850-C-T. GRCh37 (hg19) VCF-style: chr8-11561359-C-T.
Other names: c.-6+3072C>T (NM_001308094.2).
Identifiers: ClinVar variation 2629206 (VCV002629206.1), dbSNP rs899152479, ClinGen allele CA172070338.

ClinVar aggregate classification (germline): Uncertain significance (1 of 4 stars; one submission).

Conditions:
GATA4-related disorder. Also called: GATA4-related condition. Identifiers: MedGen CN860321.

gnomAD v4.1: 3 of 152,216 alleles (0.002%); highest among the groups gnomAD compares: South Asian, 0.021%; no homozygotes.

Submission:

PreventionGenetics, part of Exact Sciences
Classification: Uncertain significance for GATA4-related condition. Last evaluated: 2022-09-12. Review status: criteria provided, single submitter. Criteria: ACMG Guidelines, 2015. Collection method: clinical testing. Allele origin: germline.
Comment: The GATA4 c.-912C>T variant is located in the 5' untranslated region. To our knowledge, this variant has not been reported in the literature or in a large population database, indicating this variant is rare. At this time, the clinical significance of this variant is uncertain due to the absence of conclusive functional and genetic evidence.